The following is an entry in ClinVar:

NM_004715.5(CTDP1):c.14C>T (p.Ala5Val)

Gene: CTDP1 (CTD phosphatase subunit 1; plus strand). Cytogenetic location: 18q23.
Variant type: single nucleotide variant.
Coding change: c.14C>T on transcript NM_004715.5 (MANE Select); coding-DNA position 14, C replaced by T.
Protein change: p.Ala5Val; replaces alanine 5 with valine.
Molecular consequence: missense variant.
Genome position (GRCh38, 1-based): chr18:79,679,961, C>T. VCF-style: chr18-79679961-C-T. GRCh37 (hg19) VCF-style: chr18-77439961-C-T.
Other names: c.14C>T, p.Ala5Val (NM_001318511.2, NM_048368.4); short protein forms A5V.
Identifiers: ClinVar variation 2051125 (VCV002051125.4), dbSNP rs571765834, ClinGen allele CA402824783.

ClinVar aggregate classification (germline): Uncertain significance (1 of 4 stars; one submission).

gnomAD v4.1: 33 of 1,380,722 alleles (0.0024%); highest among the groups gnomAD compares: Non-Finnish European, 0.0031%; no homozygotes.

Submission:

Labcorp Genetics (formerly Invitae), Labcorp
Classification: Uncertain significance. Last evaluated: 2026-01-19. Review status: criteria provided, single submitter. Criteria: Invitae Variant Classification Sherloc (09022015). Collection method: clinical testing. Allele origin: germline.
Comment: This sequence change replaces alanine, which is neutral and non-polar, with valine, which is neutral and non-polar, at codon 5 of the CTDP1 protein (p.Ala5Val). This variant is not present in population databases (gnomAD no frequency). This variant has not been reported in the literature in individuals affected with CTDP1-related conditions. ClinVar contains an entry for this variant (Variation ID: 2051125). An algorithm developed to predict the effect of missense changes on protein structure and function (PolyPhen-2) suggests that this variant is likely to be tolerated. In summary, the available evidence is currently insufficient to determine the role of this variant in disease. Therefore, it has been classified as a Variant of Uncertain Significance.